The following is an entry in ClinVar:

NM_018076.5(ODAD2):c.583A>T (p.Ser195Cys)

Gene: ODAD2 (outer dynein arm docking complex subunit 2; minus strand). Cytogenetic location: 10p12.1.
Variant type: single nucleotide variant.
Coding change: c.583A>T on transcript NM_018076.5 (MANE Select); coding-DNA position 583, A replaced by T.
Protein change: p.Ser195Cys; replaces serine 195 with cysteine.
Molecular consequence: missense variant.
Genome position (GRCh38, 1-based): chr10:27,984,283, T>A on the plus strand (A>T on the coding strand, the complement: ODAD2 is on the minus strand). VCF-style: chr10-27984283-T-A. GRCh37 (hg19) VCF-style: chr10-28273212-T-A.
Other names: c.583A>T, p.Ser195Cys (NM_001290020.2); c.583A>T (NM_018076.4); short protein forms S195C.
Identifiers: ClinVar variation 412242 (VCV000412242.17), dbSNP rs138425193, ClinGen allele CA5453771.
Genomic context (GRCh38, chr10:27,984,283, plus strand): 5'-CTTTTCCTGAGAAACGTTTGAGCAGTTCTATATCCTTCTTCACCGTCATGGGACTTAAAC[T>A]TATTTCTCTGAAATAAATGTTTAAAATGTCAGCTTAAATACTTTAAACAGAATCTAGGAA-3'
Protein context (NP_060546.2, residues 185-205): HSLKHISLEI[Ser195Cys]LSPMTVKKDI

ClinVar aggregate classification (germline): Likely benign. Review status: criteria provided, multiple submitters, no conflicts (2 of 4 stars). 4 submissions from 4 submitters: Likely benign (3). 1 of the submissions does not count toward it. Last evaluated 2026-02-01.

Conditions:
ODAD2-related disorder. Also called: ODAD2-related condition.
Primary ciliary dyskinesia 23 (CILD23). Also called: CILIARY DYSKINESIA, PRIMARY, 23, WITH OR WITHOUT SITUS INVERSUS. Identifiers: Orphanet 244, MedGen C3809548, MONDO:0014193, OMIM 615451.
Primary ciliary dyskinesia. Also called: Ciliary dyskinesia. Identifiers: Orphanet 244, MedGen C0008780, MONDO:0016575, HP:0012265.

Allele frequency attached by ClinVar (database versions not stated): ESP Exome Variant Server 0.00046; gnomAD 0.00058 and 0.00059; TOPMed 0.00060; ExAC 0.00069; gnomAD exomes 0.00073.
gnomAD v4.1: 1,115 of 1,607,216 alleles (0.069%); highest among the groups gnomAD compares: Non-Finnish European, 0.07%; 1 homozygote.

Submissions (4):

Labcorp Genetics (formerly Invitae), Labcorp
Classification: Likely benign for Primary ciliary dyskinesia 23. Last evaluated: 2026-02-01. Review status: criteria provided, single submitter. Criteria: Invitae Variant Classification Sherloc (09022015). Collection method: clinical testing. Allele origin: germline.

Blueprint Genetics
Classification: Likely benign. Last evaluated: 2024-10-21. Review status: criteria provided, single submitter. Criteria: ACMG Guidelines, 2015. Collection method: clinical testing. Allele origin: germline.

Ambry Genetics
Classification: Likely benign for Primary ciliary dyskinesia. Last evaluated: 2019-03-18. Review status: criteria provided, single submitter. Criteria: Ambry Variant Classification Scheme 2023. Collection method: clinical testing. Allele origin: germline.

PreventionGenetics, part of Exact Sciences
Classification: Likely benign for ODAD2-related condition. Last evaluated: 2023-04-28. Review status: no assertion criteria provided. Collection method: clinical testing. Allele origin: germline. Not counted in ClinVar's aggregate classification.
Comment: This variant is classified as likely benign based on ACMG/AMP sequence variant interpretation guidelines (Richards et al. 2015 PMID: 25741868, with internal and published modifications).